The following is an entry in ClinVar:

NM_001277115.2(DNAH11):c.5885_5922del (p.Val1962fs)

Gene: DNAH11 (dynein axonemal heavy chain 11; plus strand). Cytogenetic location: 7p15.3.
Variant type: Deletion.
Coding change: c.5885_5922del on transcript NM_001277115.2 (MANE Select); coding-DNA positions 5885 to 5922, 38 bases deleted.
Protein change: p.Val1962fs; shifts the reading frame from valine 1962.
Molecular consequence: frameshift variant.
Genome position (GRCh38, 1-based): chr7:21,687,488-21,687,525, 38 bases deleted; deleting any 38 consecutive bases within chr7:21,687,485-21,687,525 gives the same sequence; the c. name uses the placement nearest the transcript's 3' end. GRCh37 (hg19): chr7:21,727,106-21,727,143.
Other names: short protein forms V1962fs.
Identifiers: ClinVar variation 454689 (VCV000454689.7), dbSNP rs1554269295, ClinGen allele CA658657664.

ClinVar aggregate classification (germline): Pathogenic (1 of 4 stars; one submission).

Conditions:
Primary ciliary dyskinesia. Also called: Ciliary dyskinesia. Identifiers: Orphanet 244, MedGen C0008780, MONDO:0016575, HP:0012265.

Submission:

Labcorp Genetics (formerly Invitae), Labcorp
Classification: Pathogenic for Primary ciliary dyskinesia. Last evaluated: 2017-04-15. Review status: criteria provided, single submitter. Criteria: Invitae Variant Classification Sherloc (09022015). Collection method: clinical testing. Allele origin: germline.
Comment: For these reasons, this variant has been classified as Pathogenic. While this particular variant has not been reported in the literature, loss-of-function variants in DNAH11 are known to be pathogenic (PMID: 22184204). This sequence change deletes 38 nucleotides from exon 34 of the DNAH11 mRNA (c.5885_5922del), causing a frameshift at codon 1962. This creates a premature translational stop signal (p.Val1962Glufs*48) and is expected to result in an absent or disrupted protein product.

Literature cited by the submitters: PubMed 22184204.